The following is an entry in ClinVar:

ClinVar aggregate classification (germline): Pathogenic (1 of 4 stars; one submission).

Submission:

Labcorp Genetics (formerly Invitae), Labcorp
Classification: Pathogenic. Last evaluated: 2022-07-26. Review status: criteria provided, single submitter. Criteria: Invitae Variant Classification Sherloc (09022015). Collection method: clinical testing. Allele origin: germline.
Comment: For these reasons, this variant has been classified as Pathogenic. This sequence change creates a premature translational stop signal (p.Ser235*) in the EIF2B5 gene. It is expected to result in an absent or disrupted protein product. Loss-of-function variants in EIF2B5 are known to be pathogenic (PMID: 11704758, 15060152, 21307862). ClinVar contains an entry for this variant (Variation ID: 1397252). This variant has not been reported in the literature in individuals affected with EIF2B5-related conditions. This variant is not present in population databases (gnomAD no frequency).

Literature cited by the submitters: PubMed 11704758; PubMed 15060152; PubMed 21307862.

NM_003907.3(EIF2B5):c.702dup (p.Ser235Ter)

Gene: EIF2B5 (eukaryotic translation initiation factor 2B subunit epsilon; plus strand). Cytogenetic location: 3q27.1.
Variant type: Duplication.
Coding change: c.702dup on transcript NM_003907.3 (MANE Select); coding-DNA position 702, one base duplicated (T; older notation c.702dupT).
Protein change: p.Ser235Ter; replaces serine 235 with a stop codon.
Molecular consequence: nonsense.
Genome position (GRCh38, 1-based): chr3:184,138,183, T duplicated. VCF-style (leftmost placement, unchanged base first): chr3-184138182-G-GT. GRCh37 (hg19) VCF-style: chr3-183855970-G-GT.
Other names: short protein forms S235*.
Identifiers: ClinVar variation 1397252 (VCV001397252.6), dbSNP rs2109007324, ClinGen allele CA2573136807.